The following is an entry in ClinVar:

NM_001006658.3(CR2):c.2132G>A (p.Ser711Asn)

Gene: CR2 (complement C3d receptor 2; plus strand). Cytogenetic location: 1q32.2.
Variant type: single nucleotide variant.
Coding change: c.2132G>A on transcript NM_001006658.3 (MANE Select); coding-DNA position 2132, G replaced by A.
Protein change: p.Ser711Asn; replaces serine 711 with asparagine.
Molecular consequence: missense variant. On other transcripts: intron variant (1).
Genome position (GRCh38, 1-based): chr1:207,473,698, G>A. VCF-style: chr1-207473698-G-A. GRCh37 (hg19) VCF-style: chr1-207647043-G-A.
Other names: c.2132G>A (NM_001006658.2); c.1979-103G>A (NM_001877.5); short protein forms S711N.
Identifiers: ClinVar variation 1464821 (VCV001464821.9), dbSNP rs1240549356, ClinGen allele CA344536246.

ClinVar aggregate classification (germline): Uncertain significance. Review status: criteria provided, multiple submitters, no conflicts (2 of 4 stars). 3 submissions from 3 submitters: Uncertain significance (3). Last evaluated 2024-02-24.

Conditions:
Inborn genetic diseases. Identifiers: MedGen C0950123, MeSH D030342.
Immunodeficiency, common variable, 7. Identifiers: Orphanet 1572, Orphanet 696894, MedGen C3542922, MONDO:0013862, OMIM 614699.

Allele frequency attached by ClinVar (database versions not stated): gnomAD exomes 0.00002 and 0.00001; TOPMed below 0.00001; gnomAD 0.00001.
gnomAD v4.1: 6 of 1,613,856 alleles (0.00037%); highest among the groups gnomAD compares: Admixed American, 0.0083%; no homozygotes.

Submissions (3):

Labcorp Genetics (formerly Invitae), Labcorp
Classification: Uncertain significance for Immunodeficiency, common variable, 7. Last evaluated: 2024-02-24. Review status: criteria provided, single submitter. Criteria: Invitae Variant Classification Sherloc (09022015). Collection method: clinical testing. Allele origin: germline.
Comment: This sequence change replaces serine, which is neutral and polar, with asparagine, which is neutral and polar, at codon 711 of the CR2 protein (p.Ser711Asn). This variant is present in population databases (no rsID available, gnomAD 0.01%). This variant has not been reported in the literature in individuals affected with CR2-related conditions. ClinVar contains an entry for this variant (Variation ID: 1464821). An algorithm developed to predict the effect of missense changes on protein structure and function (PolyPhen-2) suggests that this variant is likely to be disruptive. In summary, the available evidence is currently insufficient to determine the role of this variant in disease. Therefore, it has been classified as a Variant of Uncertain Significance.

Genome-Nilou Lab
Classification: Uncertain significance for Immunodeficiency, common variable, 7. Last evaluated: 2023-04-11. Review status: criteria provided, single submitter. Criteria: ACMG Guidelines, 2015. Collection method: clinical testing. Allele origin: germline. Affected: no.

Ambry Genetics
Classification: Uncertain significance for Inborn genetic diseases. Last evaluated: 2022-07-19. Review status: criteria provided, single submitter. Criteria: Ambry Variant Classification Scheme 2023. Collection method: clinical testing. Allele origin: germline.